The following is an entry in ClinVar:

ClinVar aggregate classification (germline): Uncertain significance (1 of 4 stars; one submission).

Submission:

Ambry Genetics
Classification: Uncertain significance. Last evaluated: 2025-06-23. Review status: criteria provided, single submitter. Criteria: Ambry Variant Classification Scheme 2023. Collection method: clinical testing. Allele origin: germline.
Comment: The p.Q255K variant (also known as c.763C>A), located in coding exon 1 of the TET2 gene, results from a C to A substitution at nucleotide position 763. The glutamine at codon 255 is replaced by lysine, an amino acid with similar properties. This amino acid position is conserved. In addition, this alteration is predicted to be tolerated by in silico analysis. Based on the available evidence, the clinical significance of this variant remains unclear.

NM_001127208.3(TET2):c.763C>A (p.Gln255Lys)

Genes: TET2 (tet methylcytosine dioxygenase 2; plus strand), TET2-AS1 (TET2 antisense RNA 1; minus strand). Cytogenetic location: 4q24.
Variant type: single nucleotide variant.
Coding change: c.763C>A on transcript NM_001127208.3 (MANE Select); coding-DNA position 763, C replaced by A.
Protein change: p.Gln255Lys; replaces glutamine 255 with lysine.
Molecular consequence: missense variant.
Genome position (GRCh38, 1-based): chr4:105,234,705, C>A. VCF-style: chr4-105234705-C-A. GRCh37 (hg19) VCF-style: chr4-106155862-C-A.
Other names: c.763C>A, p.Gln255Lys (NM_017628.4); short protein forms Q255K.
Identifiers: ClinVar variation 4182930 (VCV004182930.1).